The following is an entry in ClinVar:

NM_014889.4(PITRM1):c.1136+4A>C

Gene: PITRM1 (pitrilysin metallopeptidase 1; minus strand). Cytogenetic location: 10p15.2.
Variant type: single nucleotide variant.
Coding change: c.1136+4A>C on transcript NM_014889.4 (MANE Select); 4 bases into the intron after coding-DNA position 1136, A replaced by C.
Molecular consequence: intron variant.
Genome position (GRCh38, 1-based): chr10:3,158,910, T>G on the plus strand (A>C on the coding strand, the complement: PITRM1 is on the minus strand). VCF-style: chr10-3158910-T-G. GRCh37 (hg19) VCF-style: chr10-3201102-T-G.
Other names: c.1112+4A>C (NM_001347730.1, NM_001347729.1); c.1040+4A>C (NM_001242309.1); c.521+4A>C (NM_001347726.2, NM_001347727.2); c.-165+4A>C (NM_001347728.2); c.1136+4A>C (NM_001347725.2, NM_001242307.2).
Identifiers: ClinVar variation 2640283 (VCV002640283.24), dbSNP rs1842200606, ClinGen allele CA2695199447.
Genomic context (GRCh38, chr10:3,158,910, plus strand): 5'-GGTGGAGGAGCAAAACTGCCCCCAACCAATGAGAACTACTGATCTAATCTAATCATAAAC[T>G]CACCCAACATCAGGAGAAAAGTCTGTGCCAAGGCCAGATTCAATCAAGGCTTTGTAAAAG-3'

ClinVar aggregate classification (germline): Uncertain significance (1 of 4 stars; one submission).

Submission:

CeGaT Center for Human Genetics Tuebingen
Classification: Uncertain significance. Last evaluated: 2023-08-01. Review status: criteria provided, single submitter. Criteria: CeGaT Center For Human Genetics Tuebingen Variant Classification Criteria Version 2. Collection method: clinical testing. Allele origin: germline. Affected: yes. Observed: 1 variant allele.
Comment: PITRM1: PM2